The following is an entry in ClinVar:

ClinVar aggregate classification (germline): Benign. Review status: criteria provided, multiple submitters, no conflicts (2 of 4 stars). 2 submissions from 2 submitters: Benign (2). Last evaluated 2019-10-17.

Conditions:
Leigh syndrome (NULS). Also called: Leigh's necrotizing encephalopathy; Leigh's disease; Leigh Syndrome (mtDNA deletion); Leigh Disease; Subacute necrotizing encephalopathy; Necrotizing encephalopathy infantile subacute of Leigh. Identifiers: Orphanet 506, MedGen C2931891, MONDO:0009723, OMIM 256000.

Submissions (2):

Wong Mito Lab, Molecular and Human Genetics, Baylor College of Medicine
Classification: Benign for Leigh syndrome. Last evaluated: 2019-10-17. Review status: criteria provided, single submitter. Criteria: Modified ACMG Guidelines (Unpublished). Collection method: clinical testing. Allele origin: germline.
Comment: The NC_012920.1:m.10143G>A (YP_003024033.1:p.Gly29Ser) variant in MTND3 gene is interpretated to be a Benign variant based on the modified ACMG guidelines (unpublished). This variant meets the following evidence codes: BA1

Breakthrough Genomics
Classification: Benign. Review status: criteria provided, single submitter. Criteria: ACMG Guidelines, 2015. Collection method: not provided. Allele origin: germline. Inheritance: Unknown mechanism. Affected: yes.

NC_012920.1(MT-ND3):m.10143G>A

Gene: MT-ND3 (mitochondrially encoded NADH dehydrogenase 3; plus strand).
Variant type: single nucleotide variant.
Genome position: chrM-10143-G-A.
Identifiers: ClinVar variation 693265 (VCV000693265.2), dbSNP rs202131419, ClinGen allele CA337098724.
Genomic context (GRCh38, chrMT:10,143, plus strand): 5'-ATCAACACCCTCCTAGCCTTACTACTAATAATTATTACATTTTGACTACCACAACTCAAC[G>A]GCTACATAGAAAAATCCACCCCTTACGAGTGCGGCTTCGACCCTATATCCCCCGCCCGCG-3'